The following is an entry in ClinVar:

NM_000369.5(TSHR):c.1173G>C (p.Gly391=)

Genes: TSHR (thyroid stimulating hormone receptor; plus strand), TSHR-AS1 (TSHR antisense RNA 1; minus strand). Cytogenetic location: 14q31.1.
Variant type: single nucleotide variant.
Coding change: c.1173G>C on transcript NM_000369.5 (MANE Select); coding-DNA position 1173, G replaced by C.
Protein change: p.Gly391=; no amino-acid change (glycine 391 retained).
Molecular consequence: synonymous variant.
Genome position (GRCh38, 1-based): chr14:81,143,231, G>C. VCF-style: chr14-81143231-G-C. GRCh37 (hg19) VCF-style: chr14-81609575-G-C.
Identifiers: ClinVar variation 3670588 (VCV003670588.15).

ClinVar aggregate classification (germline): Likely benign. Review status: criteria provided, multiple submitters, no conflicts (2 of 4 stars). 2 submissions from 2 submitters: Likely benign (2). Last evaluated 2025-01-01.

Submissions (2):

CeGaT Center for Human Genetics Tuebingen
Classification: Likely benign. Last evaluated: 2025-01-01. Review status: criteria provided, single submitter. Criteria: CeGaT Center For Human Genetics Tuebingen Variant Classification Criteria Version 2. Collection method: clinical testing. Allele origin: germline. Affected: yes. Observed: 1 variant allele.
Comment: TSHR: PM2:Supporting, BP4, BP7

Labcorp Genetics (formerly Invitae), Labcorp
Classification: Likely benign. Last evaluated: 2024-08-26. Review status: criteria provided, single submitter. Criteria: Invitae Variant Classification Sherloc (09022015). Collection method: clinical testing. Allele origin: germline.